The following is an entry in ClinVar:

ClinVar aggregate classification (germline): Uncertain significance (1 of 4 stars; one submission).

gnomAD v4.1: 1 of 1,613,242 alleles (0.000062%); highest among the groups gnomAD compares: East Asian, 0.0022%; no homozygotes.

Submission:

GeneDx
Classification: Uncertain significance. Last evaluated: 2025-02-27. Review status: criteria provided, single submitter. Criteria: GeneDx Variant Classification Process June 2021. Collection method: clinical testing. Allele origin: germline. Affected: yes.
Comment: Not observed at significant frequency in large population cohorts (gnomAD); In silico analysis indicates that this missense variant does not alter protein structure/function; Has not been previously published as pathogenic or benign to our knowledge

NM_182931.3(KMT2E):c.4654C>T (p.Pro1552Ser)

Gene: KMT2E (lysine methyltransferase 2E (inactive); plus strand). Cytogenetic location: 7q22.3.
Variant type: single nucleotide variant.
Coding change: c.4654C>T on transcript NM_182931.3 (MANE Select); coding-DNA position 4654, C replaced by T.
Protein change: p.Pro1552Ser; replaces proline 1552 with serine.
Molecular consequence: missense variant.
Genome position (GRCh38, 1-based): chr7:105,112,410, C>T. VCF-style: chr7-105112410-C-T. GRCh37 (hg19) VCF-style: chr7-104752857-C-T.
Other names: c.4528C>T, p.Pro1510Ser (NM_001410908.1); c.4654C>T, p.Pro1552Ser (NM_018682.4); short protein forms P1510S, P1552S.
Identifiers: ClinVar variation 4077364 (VCV004077364.1).